The following is an entry in ClinVar:

NM_001122630.2(CDKN1C):c.55dup (p.Cys19fs)

Gene: CDKN1C (cyclin dependent kinase inhibitor 1C; minus strand). Cytogenetic location: 11p15.4.
Variant type: Duplication.
Coding change: c.55dup on transcript NM_001122630.2 (MANE Select); coding-DNA position 55, one base duplicated (T; older notation c.55dupT).
Protein change: p.Cys19fs; shifts the reading frame from cysteine 19.
Molecular consequence: frameshift variant.
Genome position (GRCh38, 1-based): chr11:2,885,402, A duplicated on the plus strand (T on the coding strand, the reverse complement: CDKN1C is on the minus strand). VCF-style (leftmost placement, unchanged base first): chr11-2885401-C-CA. GRCh37 (hg19) VCF-style: chr11-2906631-C-CA.
Other names: c.88dup, p.Cys30fs (NM_000076.2, NM_001362474.2); c.55dup, p.Cys19fs (NM_001122631.2, NM_001362475.2); short protein forms C30fs, C19fs.
Identifiers: ClinVar variation 2159060 (VCV002159060.4), dbSNP rs2494390803, ClinGen allele CA2580082694.
Genomic context (GRCh38, chr11:2,885,401, plus strand): 5'-AGGCGGGCCTGCAGCTCGCGGCTCAGCTCCTCGTGGTCCACCGGCCCGAAGAGGCTGCGG[C>CA]AGGCGCTGGTGCGCACTAGTACTGGGAAGGTCCCACGGGCGACAAGACGCTCCATCGTGG-3'

ClinVar aggregate classification (germline): Pathogenic (1 of 4 stars; one submission).

Conditions:
Beckwith-Wiedemann syndrome (BWS). Also called: Exomphalos macroglossia gigantism syndrome; EMG SYNDROME. Identifiers: Orphanet 116, MedGen C0004903, MONDO:0007534, OMIM 130650.

Submission:

Labcorp Genetics (formerly Invitae), Labcorp
Classification: Pathogenic for Beckwith-Wiedemann syndrome. Last evaluated: 2022-01-16. Review status: criteria provided, single submitter. Criteria: Invitae Variant Classification Sherloc (09022015). Collection method: clinical testing. Allele origin: germline.
Comment: For these reasons, this variant has been classified as Pathogenic. This variant has not been reported in the literature in individuals affected with CDKN1C-related conditions. This variant is not present in population databases (gnomAD no frequency). This sequence change creates a premature translational stop signal (p.Cys30Leufs*95) in the CDKN1C gene. It is expected to result in an absent or disrupted protein product. Loss-of-function variants in CDKN1C are known to be pathogenic (PMID: 20503313).

Literature cited by the submitters: PubMed 20503313.